The following is an entry in ClinVar:

ClinVar aggregate classification (germline): Likely benign. Review status: criteria provided, single submitter (1 of 4 stars). 2 submissions from 2 submitters: Likely benign (1). 1 of the submissions does not count toward it. Last evaluated 2023-08-02.

Conditions:
HERC1-related disorder. Also called: HERC1-related condition.

Allele frequency attached by ClinVar (database versions not stated): TOPMed 0.00002; gnomAD 0.00007; gnomAD exomes 0.00012; ExAC 0.00035; 1000 Genomes Project 0.00060; 1000 Genomes Project 30x 0.00078.
gnomAD v4.1: 186 of 1,613,860 alleles (0.012%); highest among the groups gnomAD compares: South Asian, 0.18%; 1 homozygote.

Submissions (2):

Labcorp Genetics (formerly Invitae), Labcorp
Classification: Likely benign. Last evaluated: 2023-08-02. Review status: criteria provided, single submitter. Criteria: Invitae Variant Classification Sherloc (09022015). Collection method: clinical testing. Allele origin: germline.

PreventionGenetics, part of Exact Sciences
Classification: Likely benign for HERC1-related condition. Last evaluated: 2022-12-28. Review status: no assertion criteria provided. Collection method: clinical testing. Allele origin: germline. Not counted in ClinVar's aggregate classification.
Comment: This variant is classified as likely benign based on ACMG/AMP sequence variant interpretation guidelines (Richards et al. 2015 PMID: 25741868, with internal and published modifications).

NM_003922.4(HERC1):c.9656G>A (p.Arg3219Gln)

Gene: HERC1 (HECT and RLD domain containing E3 ubiquitin protein ligase family member 1; minus strand). Cytogenetic location: 15q22.31.
Variant type: single nucleotide variant.
Coding change: c.9656G>A on transcript NM_003922.4 (MANE Select); coding-DNA position 9656, G replaced by A.
Protein change: p.Arg3219Gln; replaces arginine 3219 with glutamine.
Molecular consequence: missense variant.
Genome position (GRCh38, 1-based): chr15:63,656,302, C>T on the plus strand (G>A on the coding strand, the complement: HERC1 is on the minus strand). VCF-style: chr15-63656302-C-T. GRCh37 (hg19) VCF-style: chr15-63948501-C-T.
Other names: c.9656G>A (NM_003922.3); short protein forms R3219Q.
Identifiers: ClinVar variation 2176434 (VCV002176434.6), dbSNP rs534403806, ClinGen allele CA7604647.